The following is an entry in ClinVar:

ClinVar aggregate classification (germline): Pathogenic (1 of 4 stars; one submission).

Submission:

Labcorp Genetics (formerly Invitae), Labcorp
Classification: Pathogenic. Last evaluated: 2023-06-10. Review status: criteria provided, single submitter. Criteria: Invitae Variant Classification Sherloc (09022015). Collection method: clinical testing. Allele origin: unknown.
Comment: For these reasons, this variant has been classified as Pathogenic. This variant disrupts a region of the COL4A4 protein in which other variant(s) (p.Gly1103Arg) have been determined to be pathogenic (PMID: 24633401, 26628290). This suggests that this is a clinically significant region of the protein, and that variants that disrupt it are likely to be disease-causing. This variant has not been reported in the literature in individuals affected with COL4A4-related conditions. This variant is a gross deletion of the genomic region encompassing exon(s) 36-37 of the COL4A4 gene. This variant would be expected to be in-frame, preserving the integrity of the reading frame.

Literature cited by the submitters: PubMed 24633401; PubMed 26628290.

NC_000002.11:g.(?_227906844)_(227907920_?)del

Gene: COL4A4 (collagen type IV alpha 4 chain; minus strand). Cytogenetic location: 2q36.3.
Variant type: Deletion.
Identifiers: ClinVar variation 3247454 (VCV003247454.1).